The following is an entry in ClinVar:

ClinVar aggregate classification (germline): Uncertain significance (1 of 4 stars; one submission).

Conditions:
LSR-related condition.

Submission:

PreventionGenetics, part of Exact Sciences
Classification: Uncertain significance for LSR-related condition. Last evaluated: 2026-03-24. Review status: criteria provided, single submitter. Criteria: ACMG Guidelines, 2015. Collection method: clinical testing. Allele origin: germline.
Comment: The LSR c.1426G>A variant is predicted to result in the amino acid substitution p.Ala476Thr. To our knowledge, this variant has not been reported in the literature. This variant is reported in 0.0044% of alleles in individuals of Latino descent in gnomAD. At this time, the clinical significance of this variant is uncertain due to the absence of conclusive functional and genetic evidence.

NM_205834.4(LSR):c.1282G>A (p.Ala428Thr)

Gene: LSR (lipolysis stimulated lipoprotein receptor; plus strand). Cytogenetic location: 19q13.12.
Variant type: single nucleotide variant.
Coding change: c.1282G>A on transcript NM_205834.4 (MANE Select); coding-DNA position 1282, G replaced by A.
Protein change: p.Ala428Thr; replaces alanine 428 with threonine.
Molecular consequence: missense variant.
Genome position (GRCh38, 1-based): chr19:35,267,246, G>A. VCF-style: chr19-35267246-G-A. GRCh37 (hg19) VCF-style: chr19-35758149-G-A.
Other names: c.1222G>A, p.Ala408Thr (NM_001260489.2); c.958G>A, p.Ala320Thr (NM_001260490.2); c.1075G>A, p.Ala359Thr (NM_001385215.1); c.1225G>A, p.Ala409Thr (NM_015925.7); c.1078G>A, p.Ala360Thr (NM_205835.4); short protein forms A359T, A428T, A320T, A408T, A360T, A409T.
Identifiers: ClinVar variation 4992648 (VCV004992648.1).
Genomic context (GRCh38, chr19:35,267,246, plus strand): 5'-CGGGATGAGGAGTGGGGTGGCCACTCCCCCCGGAGTCCCAGGGGATGGGACCAGGAGCCC[G>A]CCAGGGAGCAGGCAGGCGGGGGCTGGCGGGCCAGGCGGCCCCGGGCCCGCTCCGTGGACG-3'
Protein context (NP_991403.2, residues 418-438): RSPRGWDQEP[Ala428Thr]REQAGGGWRA